The following is an entry in ClinVar:

NM_176824.3(BBS7):c.1191C>T (p.Ile397=)

Gene: BBS7 (Bardet-Biedl syndrome 7; minus strand). Cytogenetic location: 4q27.
Variant type: single nucleotide variant.
Coding change: c.1191C>T on transcript NM_176824.3 (MANE Select); coding-DNA position 1191, C replaced by T.
Protein change: p.Ile397=; no amino-acid change (isoleucine 397 retained).
Molecular consequence: synonymous variant.
Genome position (GRCh38, 1-based): chr4:121,845,543, G>A on the plus strand (C>T on the coding strand, the complement: BBS7 is on the minus strand). VCF-style: chr4-121845543-G-A. GRCh37 (hg19) VCF-style: chr4-122766698-G-A.
Other names: c.1191C>T, p.Ile397= (NM_018190.4); c.1191C>T (NM_176824.2).
Identifiers: ClinVar variation 1642197 (VCV001642197.9), dbSNP rs144483021, ClinGen allele CA3064308.
Genomic context (GRCh38, chr4:121,845,543, plus strand): 5'-GAAATTAGACATTTTGCTTACCTGTATTAAGACATTATCTATTGCAGTCTGTACCTCTAA[G>A]ATAAGGCTGTAACTGGCATCATCTTTATTTAGTGTAAATTTATCATTTATACCAAAGGAA-3'
Protein context (NP_789794.1, residues 387-407): LNKDDASYSL[Ile397=]LEVQTAIDNV

ClinVar aggregate classification (germline): Likely benign. Review status: criteria provided, multiple submitters, no conflicts (2 of 4 stars). 2 submissions from 2 submitters: Likely benign (2). Last evaluated 2025-05-19.

Conditions:
BBS7-related disorder. Also called: BBS7-related condition.
Bardet-Biedl syndrome (BBS). Identifiers: Orphanet 110, MedGen C0752166, MONDO:0015229.

Allele frequency attached by ClinVar (database versions not stated): TOPMed 0.00001; ExAC 0.00002; gnomAD 0.00002; gnomAD exomes 0.00002 and 0.00004; ESP Exome Variant Server 0.00008.
gnomAD v4.1: 58 of 1,612,520 alleles (0.0036%); highest among the groups gnomAD compares: Non-Finnish European, 0.0047%; no homozygotes.

Submissions (2):

Labcorp Genetics (formerly Invitae), Labcorp
Classification: Likely benign for Bardet-Biedl syndrome. Last evaluated: 2025-05-19. Review status: criteria provided, single submitter. Criteria: Invitae Variant Classification Sherloc (09022015). Collection method: clinical testing. Allele origin: germline.

PreventionGenetics, part of Exact Sciences
Classification: Likely benign for BBS7-related condition. Last evaluated: 2025-01-18. Review status: criteria provided, single submitter. Criteria: ACMG Guidelines, 2015. Collection method: clinical testing. Allele origin: germline.
Comment: This variant is classified as likely benign based on ACMG/AMP sequence variant interpretation guidelines (Richards et al. 2015 PMID: 25741868, with internal and published modifications).